The following is an entry in ClinVar:

ClinVar aggregate classification (germline): Likely benign (1 of 4 stars; one submission).

Submission:

CeGaT Center for Human Genetics Tuebingen
Classification: Likely benign. Last evaluated: 2024-01-01. Review status: criteria provided, single submitter. Criteria: CeGaT Center For Human Genetics Tuebingen Variant Classification Criteria Version 2. Collection method: clinical testing. Allele origin: germline. Affected: yes. Observed: 1 variant allele.
Comment: TTN: PM2:Supporting, BP4, BP7

NM_001267550.2(TTN):c.11311+1372C>A

Gene: TTN (titin; minus strand). Cytogenetic location: 2q31.2.
Variant type: single nucleotide variant.
Coding change: c.11311+1372C>A on transcript NM_001267550.2 (MANE Select); 1372 bases into the intron after coding-DNA position 11311, C replaced by A.
Molecular consequence: intron variant. On other transcripts: synonymous variant (1).
Genome position (GRCh38, 1-based): chr2:178,751,752, G>T on the plus strand (C>A on the coding strand, the complement: TTN is on the minus strand). VCF-style: chr2-178751752-G-T. GRCh37 (hg19) VCF-style: chr2-179616479-G-T.
Other names: c.10360+1372C>A (NM_133378.4, NM_001256850.1); c.10648C>A, p.Arg3550= (NM_133379.5); c.10222+1372C>A (NM_003319.4); c.10798+1372C>A (NM_133437.4); c.10597+1372C>A (NM_133432.3).
Identifiers: ClinVar variation 3025837 (VCV003025837.22), dbSNP rs141407971, ClinGen allele CA2740096282.
Genomic context (GRCh38, chr2:178,751,752, plus strand): 5'-CCCTTTTAATCTCTAAGCTGGAAGAGTGATGGTGTAAATCACTCTCAGCTTTTATAATCC[G>T]ACGAAGACCTGTTGGGATGGGCCGATTGTTATGAAACCAAGTCATTTCTGGAGTTGGACA-3'